The following is an entry in ClinVar:

NM_003060.4(SLC22A5):c.150C>G (p.Cys50Trp)

Gene: SLC22A5 (solute carrier family 22 member 5; plus strand). Cytogenetic location: 5q31.1.
Variant type: single nucleotide variant.
Coding change: c.150C>G on transcript NM_003060.4 (MANE Select); coding-DNA position 150, C replaced by G.
Protein change: p.Cys50Trp; replaces cysteine 50 with tryptophan.
Molecular consequence: missense variant.
Genome position (GRCh38, 1-based): chr5:132,370,122, C>G. VCF-style: chr5-132370122-C-G. GRCh37 (hg19) VCF-style: chr5-131705814-C-G.
Other names: c.150C>G, p.Cys50Trp (NM_001308122.2); short protein forms C50W.
Identifiers: ClinVar variation 1909420 (VCV001909420.4), dbSNP rs974348546, ClinGen allele CA127196327.

ClinVar aggregate classification (germline): Uncertain significance. Review status: criteria provided, multiple submitters, no conflicts (2 of 4 stars). 2 submissions from 2 submitters: Uncertain significance (2). Last evaluated 2025-12-03.

Conditions:
Renal carnitine transport defect (CDSP). Also called: Systemic primary carnitine deficiency; Primary carnitine deficiency; CARNITINE DEFICIENCY, SYSTEMIC, DUE TO DEFECT IN RENAL REABSORPTION OF CARNITINE; CARNITINE TRANSPORTER, PLASMA-MEMBRANE, DEFICIENCY OF; CARNITINE UPTAKE DEFECT; Carnitine transporter deficiency. Identifiers: Orphanet 158, MedGen C0342788, MONDO:0008919, OMIM 212140.

Allele frequency attached by ClinVar (database versions not stated): TOPMed below 0.00001.
gnomAD v4.1: 1 of 1,611,146 alleles (0.000062%); highest among the groups gnomAD compares: Admixed American, 0.0017%; no homozygotes.

Submissions (2):

Labcorp Genetics (formerly Invitae), Labcorp
Classification: Uncertain significance for Renal carnitine transport defect. Last evaluated: 2025-12-03. Review status: criteria provided, single submitter. Criteria: Invitae Variant Classification Sherloc (09022015). Collection method: clinical testing. Allele origin: germline.
Comment: This sequence change replaces cysteine, which is neutral and slightly polar, with tryptophan, which is neutral and slightly polar, at codon 50 of the SLC22A5 protein (p.Cys50Trp). This variant is present in population databases (no rsID available, gnomAD 0.003%). This variant has not been reported in the literature in individuals affected with SLC22A5-related conditions. ClinVar contains an entry for this variant (Variation ID: 1909420). Invitae Evidence Modeling of protein sequence and biophysical properties (such as structural, functional, and spatial information, amino acid conservation, physicochemical variation, residue mobility, and thermodynamic stability) indicates that this missense variant is expected to disrupt SLC22A5 protein function with a positive predictive value of 95%. In summary, the available evidence is currently insufficient to determine the role of this variant in disease. Therefore, it has been classified as a Variant of Uncertain Significance.

3billion
Classification: Uncertain significance for Renal carnitine transport defect. Last evaluated: 2024-07-19. Review status: criteria provided, single submitter. Criteria: ACMG Guidelines, 2015. Collection method: clinical testing. Allele origin: germline. Affected: yes.
Comment: The variant is observed at an extremely low frequency in the gnomAD v4.0.0 dataset (total allele frequency: <0.001%). Predicted Consequence/Location: Missense variant In silico tool predictions suggest damaging effect of the variant on gene or gene product [REVEL: 0.84 (>=0.6, sensitivity 0.68 and specificity 0.92); 3Cnet: 0.99 (>=0.6, sensitivity 0.72 and precision 0.9)]. The same nucleotide change resulting in the same amino acid change has been previously reported to be associated with SLC22A5 related disorder (PMID: 32778825).A different missense change at the same codon (p.Cys50Tyr) has been reported to be associated with SLC22A5 related disorder (PMID: 28841266). However, the evidence of pathogenicity is insufficient at this time. Therefore, this variant is classified as VUS according to the recommendation of ACMG/AMP guideline.

Literature cited by the submitters: PubMed 32778825 (cited by 3billion); PubMed 28841266 (cited by 3billion).